The following is an entry in ClinVar:

NM_015443.4(KANSL1):c.-90+397G>T

Gene: KANSL1 (KAT8 regulatory NSL complex subunit 1). Cytogenetic location: 17q21.31.
Variant type: single nucleotide variant.
Coding change: c.-90+397G>T on transcript NM_015443.4 (MANE Select); 397 bases into the intron after 90 bases upstream of the start codon, G replaced by T.
Molecular consequence: intron variant. On other transcripts: 5 prime UTR variant (1).
Genome position (GRCh38, 1-based): chr17:46,192,426, C>A on the plus strand (G>T on the coding strand, the complement: KANSL1 is on the minus strand). VCF-style: chr17-46192426-C-A. GRCh37 (hg19) VCF-style: chr17-44269792-C-A.
Other names: c.-97G>T (NM_001193466.2); c.-89-20194G>T (NM_001193465.2, NM_001379198.1).
Identifiers: ClinVar variation 377986 (VCV000377986.1), dbSNP rs566057890, ClinGen allele CA16607727.

ClinVar aggregate classification (germline): Benign (1 of 4 stars; one submission).

Allele frequency attached by ClinVar (database versions not stated): gnomAD 0.00032 and 0.00034; 1000 Genomes Project 0.00040; TOPMed 0.00047; 1000 Genomes Project 30x 0.00062.

Submission:

GeneDx
Classification: Benign. Last evaluated: 2015-07-06. Review status: criteria provided, single submitter. Criteria: GeneDx Variant Classification (06012015). Collection method: clinical testing. Allele origin: germline. Affected: yes.
Comment: This variant is considered likely benign or benign based on one or more of the following criteria: it is a conservative change, it occurs at a poorly conserved position in the protein, it is predicted to be benign by multiple in silico algorithms, and/or has population frequency not consistent with disease.